The following is an entry in ClinVar:

NM_000505.4(F12):c.296G>C (p.Ser99Thr)

Gene: F12 (coagulation factor XII; minus strand). Cytogenetic location: 5q35.3.
Variant type: single nucleotide variant.
Coding change: c.296G>C on transcript NM_000505.4 (MANE Select); coding-DNA position 296, G replaced by C.
Protein change: p.Ser99Thr; replaces serine 99 with threonine.
Molecular consequence: missense variant.
Genome position (GRCh38, 1-based): chr5:177,405,424, C>G on the plus strand (G>C on the coding strand, the complement: F12 is on the minus strand). VCF-style: chr5-177405424-C-G. GRCh37 (hg19) VCF-style: chr5-176832425-C-G.
Other names: short protein forms S99T.
Identifiers: ClinVar variation 2891806 (VCV002891806.4), dbSNP rs529435077, ClinGen allele CA3581527.
Genomic context (GRCh38, chr5:177,405,424, plus strand): 5'-CAGTGGGGGCCGCTTGGCATGTTCACACAGGTCCCTCCTTTCTGGCAGGGGCTGTGTTTG[C>G]TGCAGTGGTCTGAGAGATGGACATGGTGGAAGGAAGAGCAGGGAGCTGAGTCACACAGCT-3'
Protein context (NP_000496.2, residues 89-109): LEPKKVKDHC[Ser99Thr]KHSPCQKGGT

ClinVar aggregate classification (germline): Uncertain significance. Review status: criteria provided, multiple submitters, no conflicts (2 of 4 stars). 2 submissions from 2 submitters: Uncertain significance (2). Last evaluated 2025-01-23.

Conditions:
Inborn genetic diseases. Identifiers: MedGen C0950123, MeSH D030342.

Allele frequency attached by ClinVar (database versions not stated): gnomAD exomes 0.00002; gnomAD 0.00003; TOPMed 0.00005; ExAC 0.00007; 1000 Genomes Project 0.00020; 1000 Genomes Project 30x 0.00031.
gnomAD v4.1: 28 of 1,613,144 alleles (0.0017%); highest among the groups gnomAD compares: Admixed American, 0.04%; no homozygotes.

Submissions (2):

Ambry Genetics
Classification: Uncertain significance for Inborn genetic diseases. Last evaluated: 2025-01-23. Review status: criteria provided, single submitter. Criteria: Ambry Variant Classification Scheme 2023. Collection method: clinical testing. Allele origin: germline.

Labcorp Genetics (formerly Invitae), Labcorp
Classification: Uncertain significance. Last evaluated: 2024-01-19. Review status: criteria provided, single submitter. Criteria: Invitae Variant Classification Sherloc (09022015). Collection method: clinical testing. Allele origin: germline.
Comment: This sequence change replaces serine, which is neutral and polar, with threonine, which is neutral and polar, at codon 99 of the F12 protein (p.Ser99Thr). This variant is present in population databases (rs529435077, gnomAD 0.05%). This variant has not been reported in the literature in individuals affected with F12-related conditions. Advanced modeling of protein sequence and biophysical properties (such as structural, functional, and spatial information, amino acid conservation, physicochemical variation, residue mobility, and thermodynamic stability) has been performed at Invitae for this missense variant, however the output from this modeling did not meet the statistical confidence thresholds required to predict the impact of this variant on F12 protein function. In summary, the available evidence is currently insufficient to determine the role of this variant in disease. Therefore, it has been classified as a Variant of Uncertain Significance.